The following is an entry in ClinVar:

ClinVar aggregate classification (germline): Conflicting classifications of pathogenicity. Review status: criteria provided, conflicting classifications (1 of 4 stars). 5 submissions from 5 submitters: Uncertain significance (2); Benign (1); Likely benign (2). Last evaluated 2025-10-03.

Conditions:
Congenital stationary night blindness 1C. Also called: Night blindness, congenital stationary (complete), 1C, autosomal recessive. Identifiers: Orphanet 215, MedGen C2750747, MONDO:0013183, OMIM 613216.
TRPM1-related disorder. Also called: TRPM1-related condition.

Allele frequency attached by ClinVar (database versions not stated): TOPMed 0.00032; 1000 Genomes Project 30x 0.00094; 1000 Genomes Project 0.00120.

Submissions (5):

Labcorp Genetics (formerly Invitae), Labcorp
Classification: Likely benign. Last evaluated: 2025-10-03. Review status: criteria provided, single submitter. Criteria: Invitae Variant Classification Sherloc (09022015). Collection method: clinical testing. Allele origin: germline.

PreventionGenetics, part of Exact Sciences
Classification: Likely benign for TRPM1-related condition. Last evaluated: 2025-01-13. Review status: criteria provided, single submitter. Criteria: ACMG Guidelines, 2015. Collection method: clinical testing. Allele origin: germline.
Comment: This variant is classified as likely benign based on ACMG/AMP sequence variant interpretation guidelines (Richards et al. 2015 PMID: 25741868, with internal and published modifications).

Blueprint Genetics
Classification: Uncertain significance. Last evaluated: 2024-07-18. Review status: criteria provided, single submitter. Criteria: ACMG Guidelines, 2015. Collection method: clinical testing. Allele origin: germline.

CeGaT Center for Human Genetics Tuebingen
Classification: Uncertain significance. Last evaluated: 2019-07-01. Review status: criteria provided, single submitter. Criteria: CeGaT Center For Human Genetics Tuebingen Variant Classification Criteria Version 2. Collection method: clinical testing. Allele origin: germline. Affected: yes. Observed: 1 variant allele.

Illumina Laboratory Services, Illumina
Classification: Benign for Congenital stationary night blindness 1C. Last evaluated: 2017-04-27. Review status: criteria provided, single submitter. Criteria: ICSL Variant Classification Criteria 13 December 2019. Collection method: clinical testing. Allele origin: germline.
Comment: This variant was observed as part of a predisposition screen in an ostensibly healthy population. A literature search was performed for the gene, cDNA change, and amino acid change (where applicable). Publications were found based on this search. The evidence from the literature, in combination with allele frequency data from public databases where available, was sufficient to rule this variant out of causing disease. Therefore, this variant is classified as benign.

Literature cited by the submitters: PubMed 26493165 (cited by Illumina Laboratory Services, Illumina); PubMed 25307992 (cited by Illumina Laboratory Services, Illumina).

NM_001252024.2(TRPM1):c.2149G>A (p.Ala717Thr)

Gene: TRPM1 (transient receptor potential cation channel subfamily M member 1; minus strand). Cytogenetic location: 15q13.3.
Variant type: single nucleotide variant.
Coding change: c.2149G>A on transcript NM_001252024.2 (MANE Select); coding-DNA position 2149, G replaced by A.
Protein change: p.Ala717Thr; replaces alanine 717 with threonine.
Molecular consequence: missense variant.
Genome position (GRCh38, 1-based): chr15:31,040,285, C>T on the plus strand (G>A on the coding strand, the complement: TRPM1 is on the minus strand). VCF-style: chr15-31040285-C-T. GRCh37 (hg19) VCF-style: chr15-31332488-C-T.
Other names: c.2200G>A, p.Ala734Thr (NM_001252020.2); c.2083G>A, p.Ala695Thr (NM_002420.6); c.2200G>A (NM_001252020.1); short protein forms A717T, A695T, A734T.
Identifiers: ClinVar variation 857396 (VCV000857396.54), dbSNP rs138944426, ClinGen allele CA7452297.